The following is an entry in ClinVar:

NM_000465.4(BARD1):c.2239C>T (p.Pro747Ser)

Gene: BARD1 (BRCA1 associated RING domain 1; minus strand). Cytogenetic location: 2q35.
Variant type: single nucleotide variant.
Coding change: c.2239C>T on transcript NM_000465.4 (MANE Select); coding-DNA position 2239, C replaced by T.
Protein change: p.Pro747Ser; replaces proline 747 with serine.
Molecular consequence: missense variant. On other transcripts: non-coding transcript variant (3).
Genome position (GRCh38, 1-based): chr2:214,728,771, G>A on the plus strand (C>T on the coding strand, the complement: BARD1 is on the minus strand). VCF-style: chr2-214728771-G-A. GRCh37 (hg19) VCF-style: chr2-215593495-G-A.
Other names: c.2239C>T (NM_000465.2); c.2182C>T, p.Pro728Ser (NM_001282543.2); c.886C>T, p.Pro296Ser (NM_001282545.2); c.829C>T, p.Pro277Ser (NM_001282548.2); c.700C>T, p.Pro234Ser (NM_001282549.2); short protein forms P277S, P747S, P234S, P728S, P296S.
Identifiers: ClinVar variation 960790 (VCV000960790.10), dbSNP rs1574702322, ClinGen allele CA350450037.

ClinVar aggregate classification (germline): Uncertain significance. Review status: criteria provided, multiple submitters, no conflicts (2 of 4 stars). 2 submissions from 2 submitters: Uncertain significance (2). Last evaluated 2025-09-27.

Conditions:
Hereditary cancer-predisposing syndrome. Also called: Tumor predisposition; Hereditary neoplastic syndrome; Neoplastic Syndromes, Hereditary; Hereditary Cancer Syndrome. Identifiers: Orphanet 140162, MedGen C0027672, MeSH D009386, MONDO:0015356.
Familial cancer of breast. Also called: BREAST CANCER, FAMILIAL; Hereditary breast cancer; hereditary breast carcinoma. Identifiers: Orphanet 227535, MedGen C0346153, MONDO:0016419, OMIM 114480. Disease mechanism: loss of function.

Submissions (2):

Labcorp Genetics (formerly Invitae), Labcorp
Classification: Uncertain significance for Familial cancer of breast. Last evaluated: 2025-09-27. Review status: criteria provided, single submitter. Criteria: Invitae Variant Classification Sherloc (09022015). Collection method: clinical testing. Allele origin: germline.
Comment: This sequence change replaces proline, which is neutral and non-polar, with serine, which is neutral and polar, at codon 747 of the BARD1 protein (p.Pro747Ser). This variant is not present in population databases (gnomAD no frequency). This variant has not been reported in the literature in individuals affected with BARD1-related conditions. ClinVar contains an entry for this variant (Variation ID: 960790). An algorithm developed to predict the effect of missense changes on protein structure and function (PolyPhen-2) suggests that this variant is likely to be disruptive. In summary, the available evidence is currently insufficient to determine the role of this variant in disease. Therefore, it has been classified as a Variant of Uncertain Significance.

Ambry Genetics
Classification: Uncertain significance for Hereditary cancer-predisposing syndrome. Last evaluated: 2024-07-31. Review status: criteria provided, single submitter. Criteria: Ambry Variant Classification Scheme 2023. Collection method: clinical testing. Allele origin: germline.
Comment: The p.P747S variant (also known as c.2239C>T), located in coding exon 11 of the BARD1 gene, results from a C to T substitution at nucleotide position 2239. The proline at codon 747 is replaced by serine, an amino acid with similar properties. This amino acid position is conserved. In addition, this alteration is predicted to be tolerated by in silico analysis. Based on the available evidence, the clinical significance of this variant remains unclear.